The following is an entry in ClinVar:

NM_001354604.2(MITF):c.1040G>T (p.Arg347Leu)

Gene: MITF (melanocyte inducing transcription factor; plus strand). Cytogenetic location: 3p13.
Variant type: single nucleotide variant.
Coding change: c.1040G>T on transcript NM_001354604.2 (MANE Select); coding-DNA position 1040, G replaced by T.
Protein change: p.Arg347Leu; replaces arginine 347 with leucine.
Molecular consequence: missense variant.
Genome position (GRCh38, 1-based): chr3:69,959,281, G>T. VCF-style: chr3-69959281-G-T. GRCh37 (hg19) VCF-style: chr3-70008432-G-T.
Other names: c.719G>T, p.Arg240Leu (NM_000248.4); c.866G>T, p.Arg289Leu (NM_001184967.2, NM_001354608.2); c.1037G>T, p.Arg346Leu (NM_001354605.2); c.1019G>T, p.Arg340Leu (NM_001354606.2, NM_006722.3); c.971G>T, p.Arg324Leu (NM_001354607.2); c.701G>T, p.Arg234Leu (NM_198158.3); c.1022G>T, p.Arg341Leu (NM_198159.3); c.974G>T, p.Arg325Leu (NM_198177.3); and 1 more; short protein forms R178L, R234L, R240L, R289L, R324L, R325L, R340L, R341L.
Identifiers: ClinVar variation 3382315 (VCV003382315.2).

ClinVar aggregate classification (germline): Uncertain significance (1 of 4 stars; one submission).

Conditions:
Waardenburg syndrome type 2A (WS2A). Also called: WAARDENBURG SYNDROME WITHOUT DYSTOPIA CANTHORUM. Identifiers: Orphanet 3440, MedGen C1860339, MONDO:0008671, OMIM 193510.
Melanoma, cutaneous malignant, susceptibility to, 8. Also called: Cutaneous malignant melanoma 8; MELANOMA AND RENAL CELL CARCINOMA, SUSCEPTIBILITY TO. Identifiers: Orphanet 293822, MedGen C3152204, MONDO:0013759, OMIM 614456.
Tietz syndrome (TADS). Also called: TIETZ ALBINISM-DEAFNESS SYNDROME; ALBINISM-DEAFNESS OF TIETZ; HYPOPIGMENTATION/DEAFNESS OF TIETZ. Identifiers: Orphanet 42665, MedGen C0391816, MONDO:0007077, OMIM 103500.
Coloboma, osteopetrosis, microphthalmia, macrocephaly, albinism, and deafness (COMMAD). Also called: COMMAD syndrome. Identifiers: Orphanet 603494, MedGen C4310625, MONDO:0015014, OMIM 617306.

Submission:

Juno Genomics, Hangzhou Juno Genomics, Inc
Classification: Uncertain significance for Melanoma, cutaneous malignant, susceptibility to, 8; Coloboma, osteopetrosis, microphthalmia, macrocephaly, albinism, and deafness; Tietz syndrome; Waardenburg syndrome type 2A. Review status: criteria provided, single submitter. Criteria: ACMG Guidelines, 2015. Collection method: clinical testing. Allele origin: germline. Affected: yes.
Comment: Absent from controls (or at extremely low frequency if recessive) in Genome Aggregation Database, Exome Sequencing Project, 1000 Genomes Project, or Exome Aggregation Consortium.;Multiple lines of computational evidence support a deleterious effect on the gene or gene product (conservation, evolutionary, splicing impact, etc).